The following is an entry in ClinVar:

NM_015267.4(CUX2):c.646G>T (p.Ala216Ser)

Gene: CUX2 (cut like homeobox 2; plus strand). Cytogenetic location: 12q24.11.
Variant type: single nucleotide variant.
Coding change: c.646G>T on transcript NM_015267.4 (MANE Select); coding-DNA position 646, G replaced by T.
Protein change: p.Ala216Ser; replaces alanine 216 with serine.
Molecular consequence: missense variant.
Genome position (GRCh38, 1-based): chr12:111,296,481, G>T. VCF-style: chr12-111296481-G-T. GRCh37 (hg19) VCF-style: chr12-111734285-G-T.
Other names: c.460G>T, p.Ala154Ser (NM_001370598.1); short protein forms A154S, A216S.
Identifiers: ClinVar variation 2431917 (VCV002431917.1), dbSNP rs2499782475, ClinGen allele CA386722229.

ClinVar aggregate classification (germline): Uncertain significance (1 of 4 stars; one submission).

Conditions:
Developmental and epileptic encephalopathy, 67. Also called: EPILEPTIC ENCEPHALOPATHY, EARLY INFANTILE, 67. Identifiers: MedGen C4748341, MONDO:0029138, OMIM 618141.

Allele frequency attached by ClinVar (database versions not stated): gnomAD exomes below 0.00001.
gnomAD v4.1: 1 of 1,608,760 alleles (0.000062%); highest among the groups gnomAD compares: Non-Finnish European, 0.000085%; no homozygotes.

Submission:

Laboratorio de Genetica e Diagnostico Molecular, Hospital Israelita Albert Einstein
Classification: Uncertain significance for Developmental and epileptic encephalopathy, 67. Last evaluated: 2023-01-19. Review status: criteria provided, single submitter. Criteria: ACMG Guidelines, 2015. Collection method: clinical testing. Allele origin: germline. Affected: yes. Observed: 1 variant allele.
Comment: ACMG classification criteria: PM2 moderated, PP2 supporting, BP4 supporting